The following is an entry in ClinVar:

NM_001378615.1(CC2D2A):c.4744G>T (p.Gly1582Ter)

Genes: CC2D2A (coiled-coil and C2 domain containing 2A; plus strand), FBXL5 (F-box and leucine rich repeat protein 5; minus strand). Cytogenetic location: 4p15.32.
Variant type: single nucleotide variant.
Coding change: c.4744G>T on transcript NM_001378615.1 (MANE Select); coding-DNA position 4744, G replaced by T.
Protein change: p.Gly1582Ter; replaces glycine 1582 with a stop codon.
Molecular consequence: nonsense.
Genome position (GRCh38, 1-based): chr4:15,601,306, G>T. VCF-style: chr4-15601306-G-T. GRCh37 (hg19) VCF-style: chr4-15602929-G-T.
Other names: c.4744G>T, p.Gly1582Ter (NM_001080522.2); c.4597G>T, p.Gly1533Ter (NM_001378617.1); short protein forms G1533*, G1582*.
Identifiers: ClinVar variation 4783980 (VCV004783980.1).

ClinVar aggregate classification (germline): Pathogenic (1 of 4 stars; one submission).

Conditions:
Joubert syndrome. Also called: JOUBERT-BOLTSHAUSER SYNDROME; Familial aplasia of the vermis. Identifiers: Orphanet 475, MedGen C5979921, MONDO:0018772.
Meckel-Gruber syndrome. Also called: DYSENCEPHALIA SPLANCHNOCYSTICA; GRUBER SYNDROME; Dysencephalia splachnocystica. Identifiers: Orphanet 564, MedGen C0265215, MONDO:0018921.

Submission:

Labcorp Genetics (formerly Invitae), Labcorp
Classification: Pathogenic for Joubert syndrome; Meckel-Gruber syndrome. Last evaluated: 2025-02-26. Review status: criteria provided, single submitter. Criteria: Invitae Variant Classification Sherloc (09022015). Collection method: clinical testing. Allele origin: germline.
Comment: This sequence change creates a premature translational stop signal (p.Gly1582*) in the CC2D2A gene. While this is not anticipated to result in nonsense mediated decay, it is expected to disrupt the last 39 amino acid(s) of the CC2D2A protein. This variant is not present in population databases (gnomAD no frequency). This variant has not been reported in the literature in individuals affected with CC2D2A-related conditions. Algorithms developed to predict the effect of sequence changes on RNA splicing suggest that this variant may disrupt the consensus splice site. This variant disrupts a region of the CC2D2A protein in which other variant(s) (p.Ala1596Thr) have been determined to be pathogenic (PMID: 36319078; internal data). This suggests that this is a clinically significant region of the protein, and that variants that disrupt it are likely to be disease-causing. For these reasons, this variant has been classified as Pathogenic.

Literature cited by the submitters: PubMed 36319078.